The following is an entry in ClinVar:

ClinVar aggregate classification (germline): Uncertain significance (1 of 4 stars; one submission).

Conditions:
Hereditary cancer-predisposing syndrome. Also called: Tumor predisposition; Hereditary neoplastic syndrome; Neoplastic Syndromes, Hereditary; Hereditary Cancer Syndrome. Identifiers: Orphanet 140162, MedGen C0027672, MeSH D009386, MONDO:0015356.

gnomAD v4.1: 3 of 376,934 alleles (0.0008%); highest among the groups gnomAD compares: African/African-American, 0.0064%; no homozygotes.

Submission:

Ambry Genetics
Classification: Uncertain significance for Hereditary cancer-predisposing syndrome. Last evaluated: 2025-05-03. Review status: criteria provided, single submitter. Criteria: Ambry Variant Classification Scheme 2023. Collection method: clinical testing. Allele origin: germline.
Comment: The c.-4A>C variant is located in the 5' untranslated region (5&rsquo; UTR) of the CTNNA1 gene. This variant results from an A to C substitution 4 bases upstream from the first translated codon. This nucleotide position is highly conserved in available vertebrate species. Based on the available evidence, the clinical significance of this variant remains unclear.

NM_001903.5(CTNNA1):c.-4A>C

Genes: CTNNA1 (catenin alpha 1; plus strand), CTNNA1-AS1 (CTNNA1 antisense RNA 1; minus strand). Cytogenetic location: 5q31.2.
Variant type: single nucleotide variant.
Coding change: c.-4A>C on transcript NM_001903.5 (MANE Select); 4 bases upstream of the start codon, A replaced by C.
Molecular consequence: 5 prime UTR variant.
Genome position (GRCh38, 1-based): chr5:138,753,509, A>C. VCF-style: chr5-138753509-A-C. GRCh37 (hg19) VCF-style: chr5-138089198-A-C.
Other names: c.-22A>C (NM_001323984.2); c.-4A>C (NM_001323985.2, NM_001323986.2, NM_001290307.3); c.-117A>C (NM_001290309.3); c.-210A>C (NM_001290310.3); c.-474A>C (NM_001323982.2).
Identifiers: ClinVar variation 4007989 (VCV004007989.1).